The following is an entry in ClinVar:

ClinVar aggregate classification (germline): Likely benign. Review status: criteria provided, single submitter (1 of 4 stars). 2 submissions from 2 submitters: Likely benign (1). 1 of the submissions does not count toward it. Last evaluated 2025-05-14.

Conditions:
DNM1-related disorder. Also called: DNM1-related condition.
Developmental and epileptic encephalopathy, 31A. Also called: Developmental and epileptic encephalopathy, 31; Epileptic encephalopathy, early infantile, 31. Identifiers: Orphanet 2382, MedGen C4225357, MONDO:0014598, OMIM 616346.

Allele frequency attached by ClinVar (database versions not stated): ExAC 0.00001; gnomAD exomes 0.00001.

Submissions (2):

Labcorp Genetics (formerly Invitae), Labcorp
Classification: Likely benign for Developmental and epileptic encephalopathy, 31A. Last evaluated: 2025-05-14. Review status: criteria provided, single submitter. Criteria: Invitae Variant Classification Sherloc (09022015). Collection method: clinical testing. Allele origin: germline.

PreventionGenetics, part of Exact Sciences
Classification: Likely benign for DNM1-related condition. Last evaluated: 2019-04-10. Review status: no assertion criteria provided. Collection method: clinical testing. Allele origin: germline. Not counted in ClinVar's aggregate classification.
Comment: This variant is classified as likely benign based on ACMG/AMP sequence variant interpretation guidelines (Richards et al. 2015 PMID: 25741868, with internal and published modifications).

NM_004408.4(DNM1):c.1275C>G (p.Leu425=)

Gene: DNM1 (dynamin 1; plus strand). Cytogenetic location: 9q34.11.
Variant type: single nucleotide variant.
Coding change: c.1275C>G on transcript NM_004408.4 (MANE Select); coding-DNA position 1275, C replaced by G.
Protein change: p.Leu425=; no amino-acid change (leucine 425 retained).
Molecular consequence: synonymous variant. On other transcripts: intron variant (3).
Genome position (GRCh38, 1-based): chr9:128,224,329, C>G. VCF-style: chr9-128224329-C-G. GRCh37 (hg19) VCF-style: chr9-130986608-C-G.
Other names: c.1275C>G, p.Leu425= (NM_001005336.3, NM_001374269.1); c.1196+1469C>G (NM_001288738.2, NM_001288737.2, NM_001288739.2).
Identifiers: ClinVar variation 3058667 (VCV003058667.4), dbSNP rs762990348, ClinGen allele CA5258041.